The following is an entry in ClinVar:

NM_020693.4(DSCAML1):c.385G>A (p.Val129Ile)

Gene: DSCAML1 (DS cell adhesion molecule like 1; minus strand). Cytogenetic location: 11q23.3.
Variant type: single nucleotide variant.
Coding change: c.385G>A on transcript NM_020693.4 (MANE Select); coding-DNA position 385, G replaced by A.
Protein change: p.Val129Ile; replaces valine 129 with isoleucine.
Molecular consequence: missense variant. On other transcripts: 5 prime UTR variant (1).
Genome position (GRCh38, 1-based): chr11:117,776,917, C>T on the plus strand (G>A on the coding strand, the complement: DSCAML1 is on the minus strand). VCF-style: chr11-117776917-C-T. GRCh37 (hg19) VCF-style: chr11-117647632-C-T.
Other names: c.385G>A, p.Val129Ile (NM_001367904.1); c.-24G>A (NM_001367905.1); short protein forms V129I.
Identifiers: ClinVar variation 2179390 (VCV002179390.4), dbSNP rs151327979, ClinGen allele CA6297578.

ClinVar aggregate classification (germline): Uncertain significance (1 of 4 stars; one submission).

Allele frequency attached by ClinVar (database versions not stated): gnomAD exomes 0.00002; ExAC 0.00003; TOPMed 0.00003; gnomAD 0.00005; ESP Exome Variant Server 0.00008.

Submission:

Labcorp Genetics (formerly Invitae), Labcorp
Classification: Uncertain significance. Last evaluated: 2026-01-15. Review status: criteria provided, single submitter. Criteria: Invitae Variant Classification Sherloc (09022015). Collection method: clinical testing. Allele origin: germline.
Comment: This sequence change replaces valine, which is neutral and non-polar, with isoleucine, which is neutral and non-polar, at codon 189 of the DSCAML1 protein (p.Val189Ile). This variant is present in population databases (rs151327979, gnomAD 0.01%). This variant has not been reported in the literature in individuals affected with DSCAML1-related conditions. ClinVar contains an entry for this variant (Variation ID: 2179390). An algorithm developed to predict the effect of missense changes on protein structure and function (PolyPhen-2) suggests that this variant is likely to be disruptive. In summary, the available evidence is currently insufficient to determine the role of this variant in disease. Therefore, it has been classified as a Variant of Uncertain Significance.